The following is an entry in ClinVar:

ClinVar aggregate classification (germline): Benign/Likely benign. Review status: criteria provided, multiple submitters, no conflicts (2 of 4 stars). 11 submissions from 11 submitters: Benign (1); Likely benign (9). 1 of the submissions does not count toward it. Last evaluated 2026-04-27.

Conditions:
Hereditary cancer-predisposing syndrome. Also called: Hereditary Cancer Syndrome; Tumor predisposition; Neoplastic Syndromes, Hereditary; Hereditary neoplastic syndrome. Identifiers: Orphanet 140162, MedGen C0027672, MeSH D009386, MONDO:0015356.
Malignant tumor of breast. Also called: Malignant breast neoplasm; Cancer breast. Identifiers: MedGen C0006142, MONDO:0007254. Disease mechanism: loss of function.
Familial cancer of breast. Also called: hereditary breast carcinoma; BREAST CANCER, FAMILIAL; Hereditary breast cancer. Identifiers: Orphanet 227535, MedGen C0346153, MONDO:0016419, OMIM 114480. Disease mechanism: loss of function.

Allele frequency attached by ClinVar (database versions not stated): ExAC 0.00002; gnomAD exomes 0.00004.
gnomAD v4.1: 66 of 1,596,962 alleles (0.0041%); highest among the groups gnomAD compares: Middle Eastern, 0.068%; no homozygotes.

Submissions (11):

Women's Health and Genetics/Laboratory Corporation of America, LabCorp
Classification: Likely benign. Last evaluated: 2026-04-27. Review status: criteria provided, single submitter. Criteria: LabCorp Variant Classification Summary - May 2015. Collection method: clinical testing. Allele origin: germline.
Comment: Variant summary: BARD1 c.365-7C>T alters a nucleotide located at a position not widely known to affect splicing. Consensus agreement among computation tools predict no significant impact on normal splicing. However, these predictions have yet to be confirmed by functional studies. The variant allele was found at a frequency of 3.8e-05 in 238706 control chromosomes. The available data on variant occurrences in the general population are insufficient to allow any conclusion about variant significance. c.365-7C>T has been reported in the literature in individuals affected with Hereditary Breast Cancer without evidence for causality (example: De Brakeleer_2010). These report(s) do not provide unequivocal conclusions about association of the variant with Hereditary Breast And Ovarian Cancer Syndrome. To our knowledge, no experimental evidence demonstrating an impact on protein function has been reported. The following publication has been ascertained in the context of this evaluation (PMID: 20077502). ClinVar contains an entry for this variant (Variation ID: 219631). Based on the evidence outlined above, the variant was classified as likely benign.

Labcorp Genetics (formerly Invitae), Labcorp
Classification: Likely benign for Familial cancer of breast. Last evaluated: 2026-02-03. Review status: criteria provided, single submitter. Criteria: Invitae Variant Classification Sherloc (09022015). Collection method: clinical testing. Allele origin: germline.

Blueprint Genetics
Classification: Likely benign. Last evaluated: 2024-10-15. Review status: criteria provided, single submitter. Criteria: ACMG Guidelines, 2015. Collection method: clinical testing. Allele origin: germline.

Myriad Genetics, Inc.
Classification: Benign for Familial cancer of breast. Last evaluated: 2024-07-19. Review status: criteria provided, single submitter. Criteria: Myriad Autosomal Dominant, Autosomal Recessive and X-Linked Classification Criteria (2023). Collection method: clinical testing. Allele origin: unknown.
Comment: This variant is considered benign. This variant is intronic and is not expected to impact mRNA splicing. This variant is strongly associated with less severe personal and family histories of cancer, typical for individuals without pathogenic variants in this gene [PMID: 25085752].

KCCC/NGS Laboratory, Kuwait Cancer Control Center
Classification: Likely benign for Familial cancer of breast. Last evaluated: 2023-07-07. Review status: criteria provided, single submitter. Criteria: ACMG Guidelines, 2015. Collection method: clinical testing. Allele origin: germline. Affected: yes.

Quest Diagnostics Nichols Institute San Juan Capistrano
Classification: Likely benign. Last evaluated: 2023-03-16. Review status: criteria provided, single submitter. Criteria: Quest Diagnostics criteria. Collection method: clinical testing. Allele origin: unknown.

Sema4
Classification: Likely benign for Hereditary cancer-predisposing syndrome. Last evaluated: 2022-02-04. Review status: criteria provided, single submitter. Criteria: Sema4 Curation Guidelines. Collection method: curation. Allele origin: germline.

Genetic Services Laboratory, University of Chicago
Classification: Likely benign. Last evaluated: 2021-09-15. Review status: criteria provided, single submitter. Criteria: ACMG Guidelines, 2015. Collection method: clinical testing. Allele origin: germline. Affected: no.

GeneDx
Classification: Likely benign. Last evaluated: 2017-07-11. Review status: criteria provided, single submitter. Criteria: GeneDx Variant Classification (06012015). Collection method: clinical testing. Allele origin: germline. Affected: yes.
Comment: This variant is considered likely benign or benign based on one or more of the following criteria: it is a conservative change, it occurs at a poorly conserved position in the protein, it is predicted to be benign by multiple in silico algorithms, and/or has population frequency not consistent with disease.

Color Diagnostics, LLC DBA Color Health
Classification: Likely benign for Hereditary cancer-predisposing syndrome. Last evaluated: 2016-03-04. Review status: criteria provided, single submitter. Criteria: ACMG Guidelines, 2015. Collection method: clinical testing. Allele origin: germline.

Department of Pathology and Laboratory Medicine, Sinai Health System
Classification: Likely benign for Malignant tumor of breast. Review status: no assertion criteria provided. Collection method: clinical testing. Allele origin: unknown. Affected: yes. Study: The Canadian Open Genetics Repository (COGR). Not counted in ClinVar's aggregate classification.
Comment: The BARD1 c.365-7C>T variant was identified in 1 of 392 proband chromosomes (frequency: 0.003) from individuals or families with breast cancer (De Brakeleer 2010). The variant was identified in dbSNP (rs745929983) as â€šÃ„Ãºwith likely benign alleleâ€šÃ„Ã¹ and ClinVar (classified as likely benign by Invitae, Color, GeneDx and Quest Diagnostics). The variant was identified in control databases in 10 of 269,488 chromosomes at a frequency of 0.00004 (Genome Aggregation Database Feb 27, 2017). The variant was observed in the following populations: Other in 1 of 6824 chromosomes (freq: 0.0001), Latino in 2 of 33,564 chromosomes (freq: 0.00006), European in 6 of 123,604 chromosomes (freq: 0.00005), and African in 1 of 23,536 chromosomes (freq: 0.00004), while it was not observed in the Ashkenazi Jewish, East Asian, Finnish or South Asian populations. The variant occurs at a non-highly conserved nucleotide outside of the splicing consensus sequence and in silico or computational prediction software programs (SpliceSiteFinder, MaxEntScan, NNSPLICE, GeneSplicer) do not predict a difference in splicing. In summary, based on the above information, the clinical significance of this variant cannot be determined with certainty at this time although we would lean towards a more benign role for this variant. This variant is classified as likely benign.

Literature cited by the submitters: PubMed 20077502 (cited by 3 submitters); PubMed 25085752 (cited by Myriad Genetics, Inc.).

NM_000465.4(BARD1):c.365-7C>T

Gene: BARD1 (BRCA1 associated RING domain 1; minus strand). Cytogenetic location: 2q35.
Variant type: single nucleotide variant.
Coding change: c.365-7C>T on transcript NM_000465.4 (MANE Select); 7 bases into the intron before coding-DNA position 365, C replaced by T.
Molecular consequence: intron variant.
Genome position (GRCh38, 1-based): chr2:214,781,516, G>A on the plus strand (C>T on the coding strand, the complement: BARD1 is on the minus strand). VCF-style: chr2-214781516-G-A. GRCh37 (hg19) VCF-style: chr2-215646240-G-A.
Other names: c.158+27896C>T (NM_001282548.2); c.308-7C>T (NM_001282543.2); c.215+15545C>T (NM_001282545.2); c.364+10781C>T (NM_001282549.2); c.365-7C>T (LRG_297t1).
Identifiers: ClinVar variation 219631 (VCV000219631.28), dbSNP rs745929983, ClinGen allele CA350553.
Genomic context (GRCh38, chr2:214,781,516, plus strand): 5'-TCTTGTTTCCTGCATCATTAAACAAACTTTTCCTAGGTTTATCTTCTTTCAAATCTGACA[G>A]AAAAAAAGAAAAAGAAATCTGTTACATGAAATTTATTGCTCCCACATGGAGCTCCCGAAG-3'